The following is an entry in ClinVar:

NM_000238.4(KCNH2):c.302A>G (p.Lys101Arg)

Gene: KCNH2 (potassium voltage-gated channel subfamily H member 2; minus strand). Cytogenetic location: 7q36.1.
Variant type: single nucleotide variant.
Coding change: c.302A>G on transcript NM_000238.4 (MANE Select); coding-DNA position 302, A replaced by G.
Protein change: p.Lys101Arg; replaces lysine 101 with arginine.
Molecular consequence: missense variant.
Genome position (GRCh38, 1-based): chr7:150,974,716, T>C on the plus strand (A>G on the coding strand, the complement: KCNH2 is on the minus strand). VCF-style: chr7-150974716-T-C. GRCh37 (hg19) VCF-style: chr7-150671804-T-C.
Other names: c.125A>G, p.Lys42Arg (NM_001406755.1); c.302A>G, p.Lys101Arg (NM_172056.3); short protein forms K101R, K42R.
Identifiers: ClinVar variation 1256427 (VCV001256427.6), dbSNP rs2117062159, ClinGen allele CA369865284.
Genomic context (GRCh38, chr7:150,974,716, plus strand): 5'-TCCCGCCCCTCTTGACCCCGCCCCTGGTCGTGGCCCCGCCCCGGCCCGCTCCTACCATCT[T>C]TCCGGTAGAAGGCGATTTCCACTTTGCGCTCCTCGGCGCCCAGCAGTGCCTGCGCGATCT-3'
Protein context (NP_000229.1, residues 91-111): ERKVEIAFYR[Lys101Arg]DGSCFLCLVD

ClinVar aggregate classification (germline): Uncertain significance. Review status: criteria provided, multiple submitters, no conflicts (2 of 4 stars). 2 submissions from 2 submitters: Uncertain significance (2). Last evaluated 2022-09-13.

Conditions:
Cardiovascular phenotype. Identifiers: MedGen CN230736.

Submissions (2):

Ambry Genetics
Classification: Uncertain significance for Cardiovascular phenotype. Last evaluated: 2022-09-13. Review status: criteria provided, single submitter. Criteria: Ambry Variant Classification Scheme 2023. Collection method: clinical testing. Allele origin: germline.
Comment: The p.K101R variant (also known as c.302A>G), located in coding exon 2 of the KCNH2 gene, results from an A to G substitution at nucleotide position 302. The lysine at codon 101 is replaced by arginine, an amino acid with highly similar properties. This amino acid position is highly conserved in available vertebrate species. In addition, the in silico prediction for this alteration is inconclusive. Since supporting evidence is limited at this time, the clinical significance of this alteration remains unclear.

Athena Diagnostics
Classification: Uncertain significance. Last evaluated: 2021-02-15. Review status: criteria provided, single submitter. Criteria: Athena Diagnostics Criteria. Collection method: clinical testing. Allele origin: unknown.